The following is an entry in ClinVar:

ClinVar aggregate classification (germline): Uncertain significance (1 of 4 stars; one submission).

Conditions:
Dystonic disorder. Also called: Dystonia. Identifiers: MedGen C0013421, MONDO:0003441, HP:0001332.

Allele frequency attached by ClinVar (database versions not stated): gnomAD exomes below 0.00001.
gnomAD v4.1: 1 of 1,556,084 alleles (0.000064%); highest among the groups gnomAD compares: Non-Finnish European, 0.000087%; no homozygotes.

Submission:

Labcorp Genetics (formerly Invitae), Labcorp
Classification: Uncertain significance for Dystonic disorder. Last evaluated: 2023-08-22. Review status: criteria provided, single submitter. Criteria: Invitae Variant Classification Sherloc (09022015). Collection method: clinical testing. Allele origin: germline.
Comment: Algorithms developed to predict the effect of sequence changes on RNA splicing suggest that this variant may disrupt the consensus splice site. In summary, the available evidence is currently insufficient to determine the role of this variant in disease. Therefore, it has been classified as a Variant of Uncertain Significance. An algorithm developed to predict the effect of missense changes on protein structure and function (PolyPhen-2) suggests that this variant is likely to be tolerated. This variant has not been reported in the literature in individuals affected with CIZ1-related conditions. This variant is not present in population databases (gnomAD no frequency). This sequence change replaces serine, which is neutral and polar, with threonine, which is neutral and polar, at codon 584 of the CIZ1 protein (p.Ser584Thr).

NM_001131016.2(CIZ1):c.1751G>C (p.Ser584Thr)

Gene: CIZ1 (CDKN1A interacting zinc finger protein 1; minus strand). Cytogenetic location: 9q34.11.
Variant type: single nucleotide variant.
Coding change: c.1751G>C on transcript NM_001131016.2 (MANE Select); coding-DNA position 1751, G replaced by C.
Protein change: p.Ser584Thr; replaces serine 584 with threonine.
Molecular consequence: missense variant.
Genome position (GRCh38, 1-based): chr9:128,177,633, C>G on the plus strand (G>C on the coding strand, the complement: CIZ1 is on the minus strand). VCF-style: chr9-128177633-C-G. GRCh37 (hg19) VCF-style: chr9-130939912-C-G.
Other names: c.1448G>C, p.Ser483Thr (NM_001257976.2); c.1751G>C, p.Ser584Thr (NM_012127.3); c.1583G>C, p.Ser528Thr (NM_001131015.2); c.1568G>C, p.Ser523Thr (NM_001131017.2); c.1511G>C, p.Ser504Thr (NM_001131018.2); c.1841G>C, p.Ser614Thr (NM_001257975.2); short protein forms S504T, S483T, S523T, S528T, S584T, S614T.
Identifiers: ClinVar variation 2851229 (VCV002851229.3), dbSNP rs766179735, ClinGen allele CA200381478.